The following is an entry in ClinVar:

ClinVar aggregate classification (germline): Benign/Likely benign. Review status: criteria provided, multiple submitters, no conflicts (2 of 4 stars). 2 submissions from 2 submitters: Benign (1); Likely benign (1). Last evaluated 2026-01-13.

Conditions:
HNSHA due to aldolase A deficiency (GSD12). Also called: GLYCOGEN STORAGE DISEASE XII; GSD XII; RED CELL ALDOLASE DEFICIENCY; Glycogen storage disease due to aldolase A deficiency. Identifiers: Orphanet 57, MedGen C0272066, MONDO:0012747, OMIM 611881.

Allele frequency attached by ClinVar (database versions not stated): gnomAD below 0.00001 and 0.00013; TOPMed 0.00004; 1000 Genomes Project 30x 0.00016; gnomAD exomes 0.00019 and 0.00049; 1000 Genomes Project 0.00020; ExAC 0.00050.
gnomAD v4.1: 298 of 1,613,108 alleles (0.018%); highest among the groups gnomAD compares: South Asian, 0.31%; 2 homozygotes.

Submissions (2):

Labcorp Genetics (formerly Invitae), Labcorp
Classification: Benign for HNSHA due to aldolase A deficiency. Last evaluated: 2026-01-13. Review status: criteria provided, single submitter. Criteria: Invitae Variant Classification Sherloc (09022015). Collection method: clinical testing. Allele origin: germline.

GeneDx
Classification: Likely benign. Last evaluated: 2016-11-11. Review status: criteria provided, single submitter. Criteria: GeneDx Variant Classification (06012015). Collection method: clinical testing. Allele origin: germline. Affected: yes.
Comment: This variant is considered likely benign or benign based on one or more of the following criteria: it is a conservative change, it occurs at a poorly conserved position in the protein, it is predicted to be benign by multiple in silico algorithms, and/or has population frequency not consistent with disease.

NM_001243177.4(ALDOA):c.961+17T>C

Genes: ALDOA (aldolase, fructose-bisphosphate A; plus strand), LOC112694756 (uncharaterized LOC112694756; plus strand). Cytogenetic location: 16p11.2.
Variant type: single nucleotide variant.
Coding change: c.961+17T>C on transcript NM_001243177.4 (MANE Select); 17 bases into the intron after coding-DNA position 961, T replaced by C.
Molecular consequence: intron variant.
Genome position (GRCh38, 1-based): chr16:30,069,690, T>C. VCF-style: chr16-30069690-T-C. GRCh37 (hg19) VCF-style: chr16-30081011-T-C.
Other names: c.*1308+17T>C (NM_001365307.2, NM_001365305.2, NM_001365304.2); c.799+17T>C (NM_184043.2, NM_001127617.2, NM_184041.5).
Identifiers: ClinVar variation 390691 (VCV000390691.6), dbSNP rs566755208, ClinGen allele CA8001137.